The following is an entry in ClinVar:

ClinVar aggregate classification (germline): Likely benign. Review status: criteria provided, single submitter (1 of 4 stars). 2 submissions from 2 submitters: Likely benign (1). 1 of the submissions does not count toward it. Last evaluated 2025-08-18.

Conditions:
COL6A1-related disorder. Also called: COL6A1-related condition.
Bethlem myopathy 1A. Also called: Bethlem Muscular Dystrophy; MYOPATHY, BENIGN CONGENITAL, WITH CONTRACTURES; Bethlem myopathy 1. Identifiers: Orphanet 610, MedGen CN029274, MONDO:0024530, OMIM 158810.

Allele frequency attached by ClinVar (database versions not stated): ExAC 0.00003; gnomAD 0.00003; TOPMed 0.00003; gnomAD exomes 0.00005 and 0.00006; ESP Exome Variant Server 0.00008.

Submissions (2):

Labcorp Genetics (formerly Invitae), Labcorp
Classification: Likely benign for Bethlem myopathy 1A. Last evaluated: 2025-08-18. Review status: criteria provided, single submitter. Criteria: Invitae Variant Classification Sherloc (09022015). Collection method: clinical testing. Allele origin: germline.

PreventionGenetics, part of Exact Sciences
Classification: Likely benign for COL6A1-related condition. Last evaluated: 2019-05-13. Review status: no assertion criteria provided. Collection method: clinical testing. Allele origin: germline. Not counted in ClinVar's aggregate classification.
Comment: This variant is classified as likely benign based on ACMG/AMP sequence variant interpretation guidelines (Richards et al. 2015 PMID: 25741868, with internal and published modifications).

NM_001848.3(COL6A1):c.2251-20G>A

Gene: COL6A1 (collagen type VI alpha 1 chain; plus strand). Cytogenetic location: 21q22.3.
Variant type: single nucleotide variant.
Coding change: c.2251-20G>A on transcript NM_001848.3 (MANE Select); 20 bases into the intron before coding-DNA position 2251, G replaced by A.
Molecular consequence: intron variant.
Genome position (GRCh38, 1-based): chr21:46,002,507, G>A. VCF-style: chr21-46002507-G-A. GRCh37 (hg19) VCF-style: chr21-47422421-G-A.
Other names: c.2251-20G>A (NM_001848.2).
Identifiers: ClinVar variation 1596441 (VCV001596441.10), dbSNP rs369894106, ClinGen allele CA10070824.